The following is an entry in ClinVar:

NM_000718.4(CACNA1B):c.3995A>T (p.Glu1332Val)

Gene: CACNA1B (calcium voltage-gated channel subunit alpha1 B; plus strand). Cytogenetic location: 9q34.3.
Variant type: single nucleotide variant.
Coding change: c.3995A>T on transcript NM_000718.4 (MANE Select); coding-DNA position 3995, A replaced by T.
Protein change: p.Glu1332Val; replaces glutamic acid 1332 with valine.
Molecular consequence: missense variant.
Genome position (GRCh38, 1-based): chr9:138,057,758, A>T. VCF-style: chr9-138057758-A-T. GRCh37 (hg19) VCF-style: chr9-140952210-A-T.
Other names: c.3995A>T, p.Glu1332Val (NM_001243812.2); short protein forms E1332V.
Identifiers: ClinVar variation 1364540 (VCV001364540.3), dbSNP rs2133502963, ClinGen allele CA375813401.

ClinVar aggregate classification (germline): Uncertain significance (1 of 4 stars; one submission).

Submission:

Labcorp Genetics (formerly Invitae), Labcorp
Classification: Uncertain significance. Last evaluated: 2021-11-27. Review status: criteria provided, single submitter. Criteria: Invitae Variant Classification Sherloc (09022015). Collection method: clinical testing. Allele origin: germline.
Comment: This sequence change replaces glutamic acid, which is acidic and polar, with valine, which is neutral and non-polar, at codon 1332 of the CACNA1B protein (p.Glu1332Val). This variant is not present in population databases (gnomAD no frequency). This variant has not been reported in the literature in individuals affected with CACNA1B-related conditions. Advanced modeling of protein sequence and biophysical properties (such as structural, functional, and spatial information, amino acid conservation, physicochemical variation, residue mobility, and thermodynamic stability) performed at Invitae indicates that this missense variant is not expected to disrupt CACNA1B protein function. Algorithms developed to predict the effect of sequence changes on RNA splicing suggest that this variant may create or strengthen a splice site. In summary, the available evidence is currently insufficient to determine the role of this variant in disease. Therefore, it has been classified as a Variant of Uncertain Significance.